The following is an entry in ClinVar:

ClinVar aggregate classification (germline): Uncertain significance. Review status: criteria provided, multiple submitters, no conflicts (2 of 4 stars). 3 submissions from 3 submitters: Uncertain significance (3). Last evaluated 2024-09-10.

Conditions:
Inborn genetic diseases. Identifiers: MedGen C0950123, MeSH D030342.

Allele frequency attached by ClinVar (database versions not stated): ESP Exome Variant Server 0.00008; 1000 Genomes Project 30x 0.00016; 1000 Genomes Project 0.00020.
gnomAD v4.1: 329 of 1,611,634 alleles (0.02%); highest among the groups gnomAD compares: Non-Finnish European, 0.026%; no homozygotes.

Submissions (3):

GeneDx
Classification: Uncertain significance. Last evaluated: 2024-09-10. Review status: criteria provided, single submitter. Criteria: GeneDx Variant Classification Process June 2021. Collection method: clinical testing. Allele origin: germline. Affected: yes.
Comment: In silico analysis indicates that this missense variant does not alter protein structure/function; Has not been previously published as pathogenic or benign to our knowledge

Labcorp Genetics (formerly Invitae), Labcorp
Classification: Uncertain significance. Last evaluated: 2022-10-23. Review status: criteria provided, single submitter. Criteria: Invitae Variant Classification Sherloc (09022015). Collection method: clinical testing. Allele origin: germline.
Comment: This sequence change replaces glycine, which is neutral and non-polar, with arginine, which is basic and polar, at codon 380 of the RIN2 protein (p.Gly380Arg). This variant is present in population databases (rs373615542, gnomAD 0.02%). This variant has not been reported in the literature in individuals affected with RIN2-related conditions. Algorithms developed to predict the effect of missense changes on protein structure and function output the following: SIFT: "Tolerated"; PolyPhen-2: "Not Available"; Align-GVGD: "Class C0". The arginine amino acid residue is found in multiple mammalian species, which suggests that this missense change does not adversely affect protein function. In summary, the available evidence is currently insufficient to determine the role of this variant in disease. Therefore, it has been classified as a Variant of Uncertain Significance.

Ambry Genetics
Classification: Uncertain significance for Inborn genetic diseases. Last evaluated: 2021-07-15. Review status: criteria provided, single submitter. Criteria: Ambry Variant Classification Scheme 2023. Collection method: clinical testing. Allele origin: germline.

NM_018993.4(RIN2):c.1138G>C (p.Gly380Arg)

Gene: RIN2 (Ras and Rab interactor 2; plus strand). Cytogenetic location: 20p11.23.
Variant type: single nucleotide variant.
Coding change: c.1138G>C on transcript NM_018993.4 (MANE Select); coding-DNA position 1138, G replaced by C.
Protein change: p.Gly380Arg; replaces glycine 380 with arginine.
Molecular consequence: missense variant.
Genome position (GRCh38, 1-based): chr20:19,975,163, G>C. VCF-style: chr20-19975163-G-C. GRCh37 (hg19) VCF-style: chr20-19955807-G-C.
Other names: c.1285G>C, p.Gly429Arg (NM_001242581.2); c.520G>C, p.Gly174Arg (NM_001378238.1); short protein forms G380R, G174R, G429R.
Identifiers: ClinVar variation 1978871 (VCV001978871.3), dbSNP rs373615542, ClinGen allele CA9780018.
Genomic context (GRCh38, chr20:19,975,163, plus strand): 5'-CGGCTGAAGAAGCAGGCTTCTTTTCTGGAAGCAGAGGGCGGTGCAAAGACCTTGAGCGGC[G>C]GCCGGCCGGGCGCAGGCCCGGAGCTGGAGCTGGGCACAGCTGGCAGCCCAGGTGGGGCCC-3'
Protein context (NP_061866.1, residues 370-390): AEGGAKTLSG[Gly380Arg]RPGAGPELEL